The following is an entry in ClinVar:

NM_057176.3(BSND):c.157_177+20del

Gene: BSND (barttin CLCNK type accessory subunit beta; plus strand). Cytogenetic location: 1p32.3.
Variant type: Deletion.
Coding change: c.157_177+20del on transcript NM_057176.3 (MANE Select); coding-DNA position 157 through 20 bases into the intron after coding-DNA position 177, 41 bases deleted.
Molecular consequence: splice donor variant.
Genome position (GRCh38, 1-based): chr1:54,999,343-54,999,383, 41 bases deleted. GRCh37 (hg19): chr1:55,465,016-55,465,056.
Identifiers: ClinVar variation 4382 (VCV000004382.5), dbSNP rs1389952796, ClinGen allele CA737001553.

ClinVar aggregate classification (germline): Pathogenic/Likely pathogenic. Review status: criteria provided, multiple submitters, no conflicts (2 of 4 stars). 3 submissions from 3 submitters: Pathogenic (1); Likely pathogenic (1). 1 of the submissions does not count toward it. Last evaluated 2023-07-05.

Conditions:
Bartter disease type 4A. Also called: BARTTER SYNDROME, TYPE 4A, NEONATAL, WITH SENSORINEURAL DEAFNESS; BARTTER SYNDROME, NEONATAL, WITH SENSORINEURAL DEAFNESS. Identifiers: Orphanet 112, MedGen C1865270, MONDO:0011242, OMIM 602522.

Allele frequency attached by ClinVar (database versions not stated): gnomAD exomes below 0.00001; TOPMed 0.00001.

Submissions (3):

GeneDx
Classification: Pathogenic. Last evaluated: 2023-07-05. Review status: criteria provided, single submitter. Criteria: GeneDx Variant Classification Process June 2021. Collection method: clinical testing. Allele origin: germline. Affected: yes.
Comment: Deletion of a splice site predicted to result in a null allele in a gene for which loss of function is a known mechanism of disease; Not observed at significant frequency in large population cohorts (gnomAD); This variant is associated with the following publications: (PMID: 30174009, 19096086, 11687798)

Labcorp Genetics (formerly Invitae), Labcorp
Classification: Likely pathogenic. Last evaluated: 2023-02-15. Review status: criteria provided, single submitter. Criteria: Invitae Variant Classification Sherloc (09022015). Collection method: clinical testing. Allele origin: germline.
Comment: In summary, the currently available evidence indicates that the variant is pathogenic, but additional data are needed to prove that conclusively. Therefore, this variant has been classified as Likely Pathogenic. Algorithms developed to predict the effect of sequence changes on RNA splicing suggest that this variant may disrupt the consensus splice site. ClinVar contains an entry for this variant (Variation ID: 4382). This variant is also known as 157_IVS1+20del41. This variant has been observed in individual(s) with Bartter syndrome with sensorineural deafness (PMID: 11687798). This variant is not present in population databases (gnomAD no frequency). This variant results in the deletion of part of exon 1 (c.157_177+20del) of the BSND gene. It is expected to disrupt RNA splicing. Variants that disrupt the donor or acceptor splice site typically lead to a loss of protein function (PMID: 16199547), and loss-of-function variants in BSND are known to be pathogenic (PMID: 11687798).

OMIM
Classification: Pathogenic for BARTTER SYNDROME, TYPE 4A, WITH SENSORINEURAL DEAFNESS. Last evaluated: 2001-11-01. Review status: no assertion criteria provided. Collection method: literature only. Allele origin: germline. Not counted in ClinVar's aggregate classification.

Literature cited by the submitters: PubMed 11687798 (cited by Labcorp Genetics (formerly Invitae), Labcorp and OMIM); PubMed 16199547 (cited by Labcorp Genetics (formerly Invitae), Labcorp).